The following is an entry in ClinVar:

NM_014874.4(MFN2):c.214dup (p.Glu72fs)

Gene: MFN2 (mitofusin 2; plus strand). Cytogenetic location: 1p36.22.
Variant type: Duplication.
Coding change: c.214dup on transcript NM_014874.4 (MANE Select); coding-DNA position 214, one base duplicated (G; older notation c.214dupG).
Protein change: p.Glu72fs; shifts the reading frame from glutamic acid 72.
Molecular consequence: frameshift variant.
Genome position (GRCh38, 1-based): chr1:11,992,593, G duplicated. VCF-style (leftmost placement, unchanged base first): chr1-11992592-A-AG. GRCh37 (hg19) VCF-style: chr1-12052649-A-AG.
Other names: c.214dup, p.Glu72fs (NM_001127660.2); short protein forms E72fs.
Identifiers: ClinVar variation 2853203 (VCV002853203.3), dbSNP rs2522984875, ClinGen allele CA2739272304.
Genomic context (GRCh38, chr1:11,992,592, plus strand): 5'-CCATTTTCAATCCCCACCTCCAGACACGTACAGGAATGCAGAACTGGACCCCGTTACCAC[A>AG]GAAGAACAGGTTCTGGACGTCAAAGGTTACCTATCCAAAGTGAGAGGCATCAGTGAGGTG-3'

ClinVar aggregate classification (germline): Pathogenic (1 of 4 stars; one submission).

Conditions:
Charcot-Marie-Tooth disease type 2. Also called: Charcot-Marie-Tooth type 2. Identifiers: Orphanet 64746, MedGen C0270914, MONDO:0018993.

Submission:

Labcorp Genetics (formerly Invitae), Labcorp
Classification: Pathogenic for Charcot-Marie-Tooth disease type 2. Last evaluated: 2023-06-30. Review status: criteria provided, single submitter. Criteria: Invitae Variant Classification Sherloc (09022015). Collection method: clinical testing. Allele origin: germline.
Comment: This sequence change creates a premature translational stop signal (p.Glu72Glyfs*19) in the MFN2 gene. It is expected to result in an absent or disrupted protein product. Loss-of-function variants in MFN2 are known to be pathogenic (PMID: 16714318, 16835246, 21715711, 23781337, 26955893). This variant is not present in population databases (gnomAD no frequency). This variant has not been reported in the literature in individuals affected with MFN2-related conditions. For these reasons, this variant has been classified as Pathogenic.

Literature cited by the submitters: PubMed 16714318; PubMed 16835246; PubMed 21715711; PubMed 23781337; PubMed 26955893.